The following is an entry in ClinVar:

ClinVar aggregate classification (germline): Uncertain significance. Review status: criteria provided, multiple submitters, no conflicts (2 of 4 stars). 2 submissions from 2 submitters: Uncertain significance (2). Last evaluated 2025-12-07.

Conditions:
Hereditary pancreatitis (PCTT). Also called: PRSS1-Related Hereditary Pancreatitis; Hereditary chronic pancreatitis. Identifiers: Orphanet 676, MedGen C0238339, MONDO:0008185, OMIM 167800.

Allele frequency attached by ClinVar (database versions not stated): gnomAD exomes 0.00001 and 0.00002; TOPMed 0.00003.
gnomAD v4.1: 13 of 1,614,072 alleles (0.00081%); highest among the groups gnomAD compares: Admixed American, 0.0083%; no homozygotes.

Submissions (2):

Ambry Genetics
Classification: Uncertain significance for Hereditary pancreatitis. Last evaluated: 2025-12-07. Review status: criteria provided, single submitter. Criteria: Ambry Variant Classification Scheme 2023. Collection method: clinical testing. Allele origin: germline.
Comment: The p.M200T variant (also known as c.599T>C), located in coding exon 6 of the CTRC gene, results from a T to C substitution at nucleotide position 599. The methionine at codon 200 is replaced by threonine, an amino acid with similar properties. This amino acid position is highly conserved in available vertebrate species. In addition, this alteration is predicted to be deleterious by in silico analysis. Since supporting evidence is limited at this time, the clinical significance of this alteration remains unclear.

Labcorp Genetics (formerly Invitae), Labcorp
Classification: Uncertain significance for Hereditary pancreatitis. Last evaluated: 2023-04-22. Review status: criteria provided, single submitter. Criteria: Invitae Variant Classification Sherloc (09022015). Collection method: clinical testing. Allele origin: germline.
Comment: In summary, the available evidence is currently insufficient to determine the role of this variant in disease. Therefore, it has been classified as a Variant of Uncertain Significance. Advanced modeling of protein sequence and biophysical properties (such as structural, functional, and spatial information, amino acid conservation, physicochemical variation, residue mobility, and thermodynamic stability) has been performed at Invitae for this missense variant, however the output from this modeling did not meet the statistical confidence thresholds required to predict the impact of this variant on CTRC protein function. ClinVar contains an entry for this variant (Variation ID: 1404866). This variant has not been reported in the literature in individuals affected with CTRC-related conditions. This variant is present in population databases (no rsID available, gnomAD 0.009%). This sequence change replaces methionine, which is neutral and non-polar, with threonine, which is neutral and polar, at codon 200 of the CTRC protein (p.Met200Thr).

NM_007272.3(CTRC):c.599T>C (p.Met200Thr)

Gene: CTRC (chymotrypsin C; plus strand). Cytogenetic location: 1p36.21.
Variant type: single nucleotide variant.
Coding change: c.599T>C on transcript NM_007272.3 (MANE Select); coding-DNA position 599, T replaced by C.
Protein change: p.Met200Thr; replaces methionine 200 with threonine.
Molecular consequence: missense variant.
Genome position (GRCh38, 1-based): chr1:15,444,711, T>C. VCF-style: chr1-15444711-T-C. GRCh37 (hg19) VCF-style: chr1-15771206-T-C.
Other names: short protein forms M200T.
Identifiers: ClinVar variation 1404866 (VCV001404866.11), dbSNP rs1004695259, ClinGen allele CA18253086.
Genomic context (GRCh38, chr1:15,444,711, plus strand): 5'-TGGTGGATCACGCCACGTGCTCCAGGATTGACTGGTGGGGCTTCAGGGTGAAGAAAACCA[T>C]GGTGTGCGCTGGGGGCGATGGCGTCATCTCAGCCTGCAATGTGAGTGGCTAGGTTCTGCA-3'
Protein context (NP_009203.2, residues 190-210): DWWGFRVKKT[Met200Thr]VCAGGDGVIS